The following is an entry in ClinVar:

ClinVar aggregate classification (germline): Conflicting classifications of pathogenicity. Review status: criteria provided, conflicting classifications (1 of 4 stars). 13 submissions from 9 submitters: Uncertain significance (3); Benign (2); Likely benign (6). 2 of the submissions do not count toward it. Last evaluated 2025-12-07.

Conditions:
Cardiovascular phenotype. Identifiers: MedGen CN230736.
Myopathy, myofibrillar, 9, with early respiratory failure (MFM9). Also called: MYOPATHY, PROXIMAL, WITH EARLY RESPIRATORY MUSCLE INVOLVEMENT; Hereditary myopathy with early respiratory failure; Myopathy, distal, with early respiratory failure, autosomal dominant; EDSTROM MYOPATHY. Identifiers: Orphanet 178464, Orphanet 34521, MedGen C1863599, MONDO:0011362, OMIM 603689.
Autosomal recessive limb-girdle muscular dystrophy type 2J (LGMDR10). Also called: Limb-girdle muscular dystrophy, type 2J; MUSCULAR DYSTROPHY, LIMB-GIRDLE, AUTOSOMAL RECESSIVE 10. Identifiers: Orphanet 140922, MedGen C1837342, MONDO:0012127, OMIM 608807.
Tibial muscular dystrophy (TMD). Also called: UDD MYOPATHY; Tibial muscular dystrophy, tardive; Udd Distal Myopathy – Tibial Muscular Dystrophy. Identifiers: Orphanet 609, MedGen C1838244, MONDO:0010870, OMIM 600334.
TTN-related disorder. Also called: TTN-related disorders; TTN-related condition; TTN-related disease.
Dilated cardiomyopathy 1G (CMD1G). Identifiers: Orphanet 154, MedGen C1858763, MONDO:0011400, OMIM 604145.
Cardiomyopathy (CMYO). Also called: Cardiomyopathies. Identifiers: Orphanet 167848, MedGen C0878544, MONDO:0004994, HP:0001638. Inheritance: Various modes of inheritance.
Early-onset myopathy with fatal cardiomyopathy (CMYO5). Also called: Salih Myopathy; CONGENITAL MYOPATHY 5 WITH CARDIOMYOPATHY. Identifiers: Orphanet 289377, MedGen C2673677, MONDO:0012714, OMIM 611705. Disease mechanism: loss of function.

Allele frequency attached by ClinVar (database versions not stated): gnomAD exomes 0.00003; ExAC 0.00004; gnomAD 0.00004; TOPMed 0.00005; ESP Exome Variant Server 0.00008.
gnomAD v4.1: 68 of 1,613,072 alleles (0.0042%); highest among the groups gnomAD compares: Admixed American, 0.005%; no homozygotes.

Submissions (13):

PreventionGenetics, part of Exact Sciences
Classification: Likely benign for TTN-related condition. Last evaluated: 2025-12-07. Review status: criteria provided, single submitter. Criteria: ACMG Guidelines, 2015. Collection method: clinical testing. Allele origin: germline.
Comment: This variant is classified as likely benign based on ACMG/AMP sequence variant interpretation guidelines (Richards et al. 2015 PMID: 25741868, with internal and published modifications).

Labcorp Genetics (formerly Invitae), Labcorp
Classification: Likely benign for Dilated cardiomyopathy 1G; Autosomal recessive limb-girdle muscular dystrophy type 2J. Last evaluated: 2025-11-10. Review status: criteria provided, single submitter. Criteria: Invitae Variant Classification Sherloc (09022015). Collection method: clinical testing. Allele origin: germline.

Mayo Clinic Laboratories, Mayo Clinic
Classification: Likely benign. Last evaluated: 2024-11-15. Review status: criteria provided, single submitter. Criteria: ACMG Guidelines, 2015. Collection method: clinical testing. Allele origin: germline. Observed: 1 variant allele.
Comment: BP4, BP7

CHEO Genetics Diagnostic Laboratory, Children's Hospital of Eastern Ontario
Classification: Likely benign for Cardiomyopathy. Last evaluated: 2023-05-03. Review status: criteria provided, single submitter. Criteria: ACMG Guidelines, 2015. Collection method: clinical testing. Allele origin: germline.

Ambry Genetics
Classification: Likely benign for Cardiovascular phenotype. Last evaluated: 2020-05-22. Review status: criteria provided, single submitter. Criteria: Ambry Variant Classification Scheme 2023. Collection method: clinical testing. Allele origin: germline.

GeneDx
Classification: Likely benign. Last evaluated: 2018-02-28. Review status: criteria provided, single submitter. Criteria: GeneDx Variant Classification (06012015). Collection method: clinical testing. Allele origin: germline. Affected: yes.
Comment: This variant is considered likely benign or benign based on one or more of the following criteria: it is a conservative change, it occurs at a poorly conserved position in the protein, it is predicted to be benign by multiple in silico algorithms, and/or has population frequency not consistent with disease.

Illumina Laboratory Services, Illumina
Classification: Benign for Myopathy, myofibrillar, 9, with early respiratory failure. Last evaluated: 2018-01-13. Review status: criteria provided, single submitter. Criteria: ICSL Variant Classification Criteria 13 December 2019. Collection method: clinical testing. Allele origin: germline.
Comment: This variant was observed in the ICSL laboratory as part of a predisposition screen in an ostensibly healthy population. It had not been previously curated by ICSL or reported in the Human Gene Mutation Database (HGMD: prior to June 1st, 2018), and was therefore a candidate for classification through an automated scoring system. Utilizing variant allele frequency, disease prevalence and penetrance estimates, and inheritance mode, an automated score was calculated to assess if this variant is too frequent to cause the disease. Based on the score and internal cut-off values, a variant classified as benign is not then subjected to further curation. The score for this variant resulted in a classification of benign for this disease.

Illumina Laboratory Services, Illumina
Classification: Uncertain significance for Autosomal recessive limb-girdle muscular dystrophy type 2J. Last evaluated: 2018-01-13. Review status: criteria provided, single submitter. Criteria: ICSL Variant Classification Criteria 13 December 2019. Collection method: clinical testing. Allele origin: germline.

Illumina Laboratory Services, Illumina
Classification: Benign for Tibial muscular dystrophy. Last evaluated: 2018-01-13. Review status: criteria provided, single submitter. Criteria: ICSL Variant Classification Criteria 13 December 2019. Collection method: clinical testing. Allele origin: germline.
Comment: the same text as in the submission from Illumina Laboratory Services, Illumina above.

Illumina Laboratory Services, Illumina
Classification: Uncertain significance for Early-onset myopathy with fatal cardiomyopathy. Last evaluated: 2018-01-13. Review status: criteria provided, single submitter. Criteria: ICSL Variant Classification Criteria 13 December 2019. Collection method: clinical testing. Allele origin: germline.

Illumina Laboratory Services, Illumina
Classification: Uncertain significance for Dilated cardiomyopathy 1G. Last evaluated: 2018-01-13. Review status: criteria provided, single submitter. Criteria: ICSL Variant Classification Criteria 13 December 2019. Collection method: clinical testing. Allele origin: germline.

Clinical Genetics DNA and cytogenetics Diagnostics Lab, Erasmus MC, Erasmus Medical Center
Classification: Likely benign. Review status: no assertion criteria provided. Collection method: clinical testing. Allele origin: germline. Affected: yes. Study: VKGL Data-share Consensus. Not counted in ClinVar's aggregate classification.

Clinical Genetics, Academic Medical Center
Classification: Benign. Review status: no assertion criteria provided. Collection method: clinical testing. Allele origin: germline. Affected: yes. Study: VKGL Data-share Consensus. Not counted in ClinVar's aggregate classification.

NM_001267550.2(TTN):c.68391G>A (p.Pro22797=)

Genes: TTN-AS1 (TTN antisense RNA 1; plus strand), TTN (titin; minus strand). Cytogenetic location: 2q31.2.
Variant type: single nucleotide variant.
Coding change: c.68391G>A on transcript NM_001267550.2 (MANE Select); coding-DNA position 68391, G replaced by A.
Protein change: p.Pro22797=; no amino-acid change (proline 22797 retained).
Molecular consequence: synonymous variant.
Genome position (GRCh38, 1-based): chr2:178,578,124, C>T on the plus strand (G>A on the coding strand, the complement: TTN is on the minus strand). VCF-style: chr2-178578124-C-T. GRCh37 (hg19) VCF-style: chr2-179442851-C-T.
Other names: p.Pro20229=; c.63468G>A, p.Pro21156= (NM_001256850.1); c.41196G>A, p.Pro13732= (NM_003319.4); c.60687G>A, p.Pro20229= (NM_133378.4); c.41571G>A, p.Pro13857= (NM_133432.3); c.41772G>A, p.Pro13924= (NM_133437.4).
Identifiers: ClinVar variation 332797 (VCV000332797.21), dbSNP rs368985748, ClinGen allele CA1991113.